The following is an entry in ClinVar:

NM_000263.4(NAGLU):c.92C>G (p.Ala31Gly)

Genes: NAGLU (N-acetyl-alpha-glucosaminidase; plus strand), LOC130060903 (ATAC-STARR-seq lymphoblastoid silent region 8533; plus strand). Cytogenetic location: 17q21.2.
Variant type: single nucleotide variant.
Coding change: c.92C>G on transcript NM_000263.4 (MANE Select); coding-DNA position 92, C replaced by G.
Protein change: p.Ala31Gly; replaces alanine 31 with glycine.
Molecular consequence: missense variant.
Genome position (GRCh38, 1-based): chr17:42,536,364, C>G. VCF-style: chr17-42536364-C-G. GRCh37 (hg19) VCF-style: chr17-40688382-C-G.
Other names: short protein forms A31G.
Identifiers: ClinVar variation 1714853 (VCV001714853.6), dbSNP rs2092906004, ClinGen allele CA399595295.

ClinVar aggregate classification (germline): Uncertain significance (1 of 4 stars; one submission).

Conditions:
Charcot-Marie-Tooth disease axonal type 2V. Also called: CHARCOT-MARIE-TOOTH NEUROPATHY, TYPE 2V; CHARCOT-MARIE-TOOTH DISEASE, AXONAL, AUTOSOMAL DOMINANT, TYPE 2V. Identifiers: Orphanet 447964, MedGen C5569050, MONDO:0014665, OMIM 616491.
Mucopolysaccharidosis, MPS-III-B (MPS3B). Also called: MUCOPOLYSACCHARIDOSIS, TYPE IIIB; Mucopolysaccharidosis type IIIB (Sanfilippo B); N-ACETYL-ALPHA-D-GLUCOSAMINIDASE DEFICIENCY; NAGLU DEFICIENCY; SANFILIPPO SYNDROME B; MPS III B. Identifiers: Orphanet 79270, MedGen C0086648, MONDO:0009656, OMIM 252920.

Submission:

Labcorp Genetics (formerly Invitae), Labcorp
Classification: Uncertain significance for Charcot-Marie-Tooth disease axonal type 2V; Mucopolysaccharidosis, MPS-III-B. Last evaluated: 2022-11-01. Review status: criteria provided, single submitter. Criteria: Invitae Variant Classification Sherloc (09022015). Collection method: clinical testing. Allele origin: germline.
Comment: In summary, the available evidence is currently insufficient to determine the role of this variant in disease. Therefore, it has been classified as a Variant of Uncertain Significance. Advanced modeling of protein sequence and biophysical properties (such as structural, functional, and spatial information, amino acid conservation, physicochemical variation, residue mobility, and thermodynamic stability) performed at Invitae indicates that this missense variant is expected to disrupt NAGLU protein function. This variant has not been reported in the literature in individuals affected with NAGLU-related conditions. This variant is not present in population databases (gnomAD no frequency). This sequence change replaces alanine, which is neutral and non-polar, with glycine, which is neutral and non-polar, at codon 31 of the NAGLU protein (p.Ala31Gly).